The following is an entry in ClinVar:

NM_000275.3(OCA2):c.868A>G (p.Arg290Gly)

Gene: OCA2 (OCA2 melanosomal transmembrane protein; minus strand). Cytogenetic location: 15q13.1.
Variant type: single nucleotide variant.
Coding change: c.868A>G on transcript NM_000275.3 (MANE Select); coding-DNA position 868, A replaced by G.
Protein change: p.Arg290Gly; replaces arginine 290 with glycine.
Molecular consequence: missense variant.
Genome position (GRCh38, 1-based): chr15:28,016,126, T>C on the plus strand (A>G on the coding strand, the complement: OCA2 is on the minus strand). VCF-style: chr15-28016126-T-C. GRCh37 (hg19) VCF-style: chr15-28261272-T-C.
Other names: c.868A>G, p.Arg290Gly (NM_001300984.2); short protein forms R290G.
Identifiers: ClinVar variation 1216648 (VCV001216648.46), dbSNP rs769408559, ClinGen allele CA7439321.

ClinVar aggregate classification (germline): Pathogenic/Likely pathogenic. Review status: criteria provided, multiple submitters, no conflicts (2 of 4 stars). 7 submissions from 7 submitters: Pathogenic (3); Likely pathogenic (4). Last evaluated 2025-12-16.

Conditions:
Tyrosinase-positive oculocutaneous albinism (OCA2). Also called: Albinism, oculocutaneous, type II; ALBINISM II; Oculocutaneous albinism type 2. Identifiers: Orphanet 79432, MedGen C0268495, MONDO:0008746, OMIM 203200.
SKIN/HAIR/EYE PIGMENTATION 1, BLUE/NONBLUE EYES (SHEP1). Also called: HAIR COLOR 3; SKIN/HAIR/EYE PIGMENTATION 1, BLOND/BROWN HAIR; SKIN/HAIR/EYE PIGMENTATION 1, BLUE/BROWN EYES; BROWN EYE COLOR 2; EYE COLOR 3; EYE COLOR, BLUE/NONBLUE. Identifiers: MedGen C1856895, OMIM 227220.
OCA2-related disorder. Also called: OCA2-related condition.

Allele frequency attached by ClinVar (database versions not stated): gnomAD 0.00001; gnomAD exomes 0.00001 and 0.00002; TOPMed 0.00001; ExAC 0.00002.
gnomAD v4.1: 24 of 1,614,068 alleles (0.0015%); highest among the groups gnomAD compares: Admixed American, 0.0033%; no homozygotes.

Submissions (7):

Labcorp Genetics (formerly Invitae), Labcorp
Classification: Pathogenic. Last evaluated: 2025-12-16. Review status: criteria provided, single submitter. Criteria: Invitae Variant Classification Sherloc (09022015). Collection method: clinical testing. Allele origin: germline.
Comment: This sequence change replaces arginine, which is basic and polar, with glycine, which is neutral and non-polar, at codon 290 of the OCA2 protein (p.Arg290Gly). This variant is present in population databases (rs769408559, gnomAD 0.004%). This missense change has been observed in individual(s) with oculocutaneous albinism (PMID: 10987646, 27734839, 29345414). In at least one individual the data is consistent with being in trans (on the opposite chromosome) from a pathogenic variant. ClinVar contains an entry for this variant (Variation ID: 1216648). Invitae Evidence Modeling of protein sequence and biophysical properties (such as structural, functional, and spatial information, amino acid conservation, physicochemical variation, residue mobility, and thermodynamic stability) indicates that this missense variant is not expected to disrupt OCA2 protein function with a negative predictive value of 80%. For these reasons, this variant has been classified as Pathogenic.

Laboratory of Genetic Epidemiology, Research Centre for Medical Genetics
Classification: Likely pathogenic for SKIN/HAIR/EYE PIGMENTATION 1, BLUE/NONBLUE EYES; Tyrosinase-positive oculocutaneous albinism. Last evaluated: 2025-01-01. Review status: criteria provided, single submitter. Criteria: ACMG Guidelines, 2015. Collection method: clinical testing. Allele origin: paternal. Inheritance: Autosomal recessive inheritance. Affected: yes. Observed: 1 compound heterozygote.
Comment: This variant has been previously reported in the literature (PMIDs: 27734839, 29345414) and is listed in gnomAD v3.1.2 with allele frequency in Europe 0.00001 (1/68048). The affected amino acid position is evolutionarily conserved, and multiple in silico prediction tools support a deleterious effect. Taken together, the variant meets the following ACMG/AMP criteria and can be classified as likely pathogenic with PM2, PP3, PM3, PP5, PP4 criteria.

Blueprint Genetics
Classification: Pathogenic for OCA2-related disorders. Last evaluated: 2024-06-19. Review status: criteria provided, single submitter. Criteria: ACMG Guidelines, 2015. Collection method: clinical testing. Allele origin: germline. Affected: yes. Observed: 2 variant alleles.

Baylor Genetics
Classification: Pathogenic for SKIN/HAIR/EYE PIGMENTATION 1, BLUE/NONBLUE EYES. Last evaluated: 2024-02-07. Review status: criteria provided, single submitter. Criteria: ACMG Guidelines, 2015. Collection method: clinical testing. Allele origin: unknown.

CeGaT Center for Human Genetics Tuebingen
Classification: Likely pathogenic. Last evaluated: 2022-05-01. Review status: criteria provided, single submitter. Criteria: CeGaT Center For Human Genetics Tuebingen Variant Classification Criteria Version 2. Collection method: clinical testing. Allele origin: germline. Affected: yes. Observed: 2 variant alleles.

Fulgent Genetics
Classification: Likely pathogenic for Tyrosinase-positive oculocutaneous albinism; SKIN/HAIR/EYE PIGMENTATION 1, BLUE/NONBLUE EYES. Last evaluated: 2021-07-29. Review status: criteria provided, single submitter. Criteria: ACMG Guidelines, 2015. Collection method: clinical testing. Allele origin: unknown.

GeneDx
Classification: Likely pathogenic. Last evaluated: 2019-11-13. Review status: criteria provided, single submitter. Criteria: GeneDx Variant Classification Process June 2021. Collection method: clinical testing. Allele origin: germline. Affected: yes.
Comment: Not observed at a significant frequency in large population cohorts (Lek et al., 2016); In silico analysis, which includes protein predictors and evolutionary conservation, supports a deleterious effect; This variant is associated with the following publications: (PMID: 18821858, 17236130, 12876664, 10987646)

Literature cited by the submitters: PubMed 10987646 (cited by Labcorp Genetics (formerly Invitae), Labcorp); PubMed 27734839 (cited by Labcorp Genetics (formerly Invitae), Labcorp and Laboratory of Genetic Epidemiology, Research Centre for Medical Genetics); PubMed 29345414 (cited by Labcorp Genetics (formerly Invitae), Labcorp and Laboratory of Genetic Epidemiology, Research Centre for Medical Genetics); PubMed 41428507 (cited by Laboratory of Genetic Epidemiology, Research Centre for Medical Genetics).